The following is an entry in ClinVar:

ClinVar aggregate classification (germline): Uncertain significance. Review status: criteria provided, multiple submitters, no conflicts (2 of 4 stars). 3 submissions from 3 submitters: Uncertain significance (3). Last evaluated 2025-09-01.

Allele frequency attached by ClinVar (database versions not stated): gnomAD exomes 0.00002 and 0.00004; gnomAD 0.00003 and 0.00004; TOPMed 0.00003; ExAC 0.00007; ESP Exome Variant Server 0.00008.
gnomAD v4.1: 34 of 1,614,060 alleles (0.0021%); highest among the groups gnomAD compares: Admixed American, 0.012%; no homozygotes.

Submissions (3):

CeGaT Center for Human Genetics Tuebingen
Classification: Uncertain significance. Last evaluated: 2025-09-01. Review status: criteria provided, single submitter. Criteria: CeGaT Center For Human Genetics Tuebingen Variant Classification Criteria Version 2. Collection method: clinical testing. Allele origin: germline. Affected: yes. Observed: 1 variant allele.
Comment: CEP250: PM2, BP4

Labcorp Genetics (formerly Invitae), Labcorp
Classification: Uncertain significance. Last evaluated: 2022-06-10. Review status: criteria provided, single submitter. Criteria: Invitae Variant Classification Sherloc (09022015). Collection method: clinical testing. Allele origin: germline.
Comment: This sequence change replaces glutamine, which is neutral and polar, with proline, which is neutral and non-polar, at codon 2182 of the CEP250 protein (p.Gln2182Pro). This variant is present in population databases (rs149811081, gnomAD 0.02%). This variant has not been reported in the literature in individuals affected with CEP250-related conditions. ClinVar contains an entry for this variant (Variation ID: 861925). Algorithms developed to predict the effect of missense changes on protein structure and function are either unavailable or do not agree on the potential impact of this missense change (SIFT: "Not Available"; PolyPhen-2: "Probably Damaging"; Align-GVGD: "Not Available"). In summary, the available evidence is currently insufficient to determine the role of this variant in disease. Therefore, it has been classified as a Variant of Uncertain Significance.

Blueprint Genetics
Classification: Uncertain significance. Last evaluated: 2022-04-07. Review status: criteria provided, single submitter. Criteria: ACMG Guidelines, 2015. Collection method: clinical testing. Allele origin: germline.

NM_007186.6(CEP250):c.6545A>C (p.Gln2182Pro)

Gene: CEP250 (centrosomal protein 250; plus strand). Cytogenetic location: 20q11.22.
Variant type: single nucleotide variant.
Coding change: c.6545A>C on transcript NM_007186.6 (MANE Select); coding-DNA position 6545, A replaced by C.
Protein change: p.Gln2182Pro; replaces glutamine 2182 with proline.
Molecular consequence: missense variant.
Genome position (GRCh38, 1-based): chr20:35,504,914, A>C. VCF-style: chr20-35504914-A-C. GRCh37 (hg19) VCF-style: chr20-34092742-A-C.
Other names: c.4649A>C, p.Gln1550Pro (NM_001318219.1); short protein forms Q2182P, Q1550P.
Identifiers: ClinVar variation 861925 (VCV000861925.14), dbSNP rs149811081, ClinGen allele CA9834090.